The following is an entry in ClinVar:

ClinVar aggregate classification (germline): Uncertain significance (1 of 4 stars; one submission).

Conditions:
EGFR-related lung cancer (EGFR). Identifiers: MedGen CN130014.

Submission:

Labcorp Genetics (formerly Invitae), Labcorp
Classification: Uncertain significance for EGFR-related lung cancer. Last evaluated: 2023-01-05. Review status: criteria provided, single submitter. Criteria: Invitae Variant Classification Sherloc (09022015). Collection method: clinical testing. Allele origin: germline.
Comment: This variant is not present in population databases (gnomAD no frequency). In summary, the available evidence is currently insufficient to determine the role of this variant in disease. Therefore, it has been classified as a Variant of Uncertain Significance. Advanced modeling of protein sequence and biophysical properties (such as structural, functional, and spatial information, amino acid conservation, physicochemical variation, residue mobility, and thermodynamic stability) performed at Invitae indicates that this missense variant is not expected to disrupt EGFR protein function. ClinVar contains an entry for this variant (Variation ID: 1525802). This variant has not been reported in the literature in individuals affected with EGFR-related conditions. This sequence change replaces serine, which is neutral and polar, with threonine, which is neutral and polar, at codon 925 of the EGFR protein (p.Ser925Thr).

NM_005228.5(EGFR):c.2773T>A (p.Ser925Thr)

Gene: EGFR (epidermal growth factor receptor; plus strand). Cytogenetic location: 7p11.2.
Variant type: single nucleotide variant.
Coding change: c.2773T>A on transcript NM_005228.5 (MANE Select); coding-DNA position 2773, T replaced by A.
Protein change: p.Ser925Thr; replaces serine 925 with threonine.
Molecular consequence: missense variant.
Genome position (GRCh38, 1-based): chr7:55,198,788, T>A. VCF-style: chr7-55198788-T-A. GRCh37 (hg19) VCF-style: chr7-55266481-T-A.
Other names: c.2638T>A, p.Ser880Thr (NM_001346897.2, NM_001346899.2); c.2773T>A, p.Ser925Thr (NM_001346898.2); c.2614T>A, p.Ser872Thr (NM_001346900.2); c.1972T>A, p.Ser658Thr (NM_001346941.2); short protein forms S658T, S880T, S872T, S925T.
Identifiers: ClinVar variation 1525802 (VCV001525802.8), dbSNP rs2128968768, ClinGen allele CA367581325.